The following is an entry in ClinVar:

ClinVar aggregate classification (germline): Likely pathogenic (1 of 4 stars; one submission).

Conditions:
Aicardi-Goutieres syndrome 5. Identifiers: Orphanet 51, MedGen C2749659, MONDO:0013059, OMIM 612952.

Submission:

Labcorp Genetics (formerly Invitae), Labcorp
Classification: Likely pathogenic for Aicardi-Goutieres syndrome 5. Last evaluated: 2021-01-28. Review status: criteria provided, single submitter. Criteria: Invitae Variant Classification Sherloc (09022015). Collection method: clinical testing. Allele origin: germline.
Comment: This variant has not been reported in the literature in individuals with SAMHD1-related conditions. This variant is a gross deletion of the genomic region encompassing exon(s) 4-13 of the SAMHD1 gene. This variant would be expected to be in-frame, preserving the integrity of the reading frame. This variant disrupts the p.Ile201Asn amino acid residue in SAMHD1. Other variant(s) that disrupt this residue have been determined to be pathogenic (PMID: 19525956, 20653736, 22461318, 28229507). This suggests that this residue is clinically significant, and that variants that disrupt this residue are likely to be disease-causing. In summary, the currently available evidence indicates that the variant is pathogenic, but additional data are needed to prove that conclusively. Therefore, this variant has been classified as Likely Pathogenic.

Literature cited by the submitters: PubMed 19525956; PubMed 20653736; PubMed 22461318; PubMed 28229507.

NC_000020.10:g.(?_35532550)_(35563602_?)del

Gene: SAMHD1 (SAM and HD domain containing deoxynucleoside triphosphate triphosphohydrolase 1; minus strand). Cytogenetic location: 20q11.23.
Variant type: Deletion.
Identifiers: ClinVar variation 1520348 (VCV001520348.6).